The following is an entry in ClinVar:

ClinVar aggregate classification (germline): Uncertain significance (1 of 4 stars; one submission).

Submission:

Women's Health and Genetics/Laboratory Corporation of America, LabCorp
Classification: Uncertain significance. Last evaluated: 2026-05-11. Review status: criteria provided, single submitter. Criteria: LabCorp Variant Classification Summary - May 2015. Collection method: clinical testing. Allele origin: germline.
Comment: Variant summary: PLOD1 c.1661A>C (p.Asp554Ala) results in a non-conservative amino acid change in the encoded protein sequence. Algorithms developed to predict the effect of missense changes on protein structure and function all suggest that this variant is likely to be disruptive. The variant was absent in 251378 control chromosomes. The available data on variant occurrences in the general population are insufficient to allow any conclusion about variant significance. To our knowledge, no occurrence of c.1661A>C in individuals affected with PLOD1-related conditions and no experimental evidence demonstrating its impact on protein function have been reported. No submitters have cited clinical-significance assessments for this variant to ClinVar. Based on the evidence outlined above, the variant was classified as uncertain significance.

NM_000302.4(PLOD1):c.1661A>C (p.Asp554Ala)

Gene: PLOD1 (procollagen-lysine,2-oxoglutarate 5-dioxygenase 1; plus strand). Cytogenetic location: 1p36.22.
Variant type: single nucleotide variant.
Coding change: c.1661A>C on transcript NM_000302.4 (MANE Select); coding-DNA position 1661, A replaced by C.
Protein change: p.Asp554Ala; replaces aspartic acid 554 with alanine.
Molecular consequence: missense variant.
Genome position (GRCh38, 1-based): chr1:11,966,997, A>C. VCF-style: chr1-11966997-A-C. GRCh37 (hg19) VCF-style: chr1-12027054-A-C.
Other names: c.1802A>C, p.Asp601Ala (NM_001316320.2); short protein forms D554A, D601A.
Identifiers: ClinVar variation 4853295 (VCV004853295.1).